The following is an entry in ClinVar:

NM_001365951.3(KIF1B):c.2065T>C (p.Tyr689His)

Gene: KIF1B (kinesin family member 1B; plus strand). Cytogenetic location: 1p36.22.
Variant type: single nucleotide variant.
Coding change: c.2065T>C on transcript NM_001365951.3 (MANE Select); coding-DNA position 2065, T replaced by C.
Protein change: p.Tyr689His; replaces tyrosine 689 with histidine.
Molecular consequence: missense variant.
Genome position (GRCh38, 1-based): chr1:10,297,196, T>C. VCF-style: chr1-10297196-T-C. GRCh37 (hg19) VCF-style: chr1-10357254-T-C.
Other names: c.2065T>C, p.Tyr689His (NM_001365952.1); c.1927T>C, p.Tyr643His (NM_001365953.1, NM_015074.3, NM_183416.4); short protein forms Y643H, Y689H.
Identifiers: ClinVar variation 1782792 (VCV001782792.2), dbSNP rs2521404479, ClinGen allele CA338317813.

ClinVar aggregate classification (germline): Uncertain significance (1 of 4 stars; one submission).

Allele frequency attached by ClinVar (database versions not stated): gnomAD exomes below 0.00001.
gnomAD v4.1: 1 of 1,612,454 alleles (0.000062%); highest among the groups gnomAD compares: Non-Finnish European, 0.000085%; no homozygotes.

Submission:

Ambry Genetics
Classification: Uncertain significance. Last evaluated: 2022-04-10. Review status: criteria provided, single submitter. Criteria: Ambry Variant Classification Scheme 2023. Collection method: clinical testing. Allele origin: germline.
Comment: The p.Y643H variant (also known as c.1927T>C), located in coding exon 19 of the KIF1B gene, results from a T to C substitution at nucleotide position 1927. The tyrosine at codon 643 is replaced by histidine, an amino acid with similar properties. This amino acid position is conserved. In addition, the in silico prediction for this alteration is inconclusive. Since supporting evidence is limited at this time, the clinical significance of this alteration remains unclear.